The following is an entry in ClinVar:

NM_001358530.2(MOCS1):c.1511G>T (p.Arg504Leu)

Gene: MOCS1 (molybdenum cofactor synthesis 1; minus strand). Cytogenetic location: 6p21.2.
Variant type: single nucleotide variant.
Coding change: c.1511G>T on transcript NM_001358530.2 (MANE Select); coding-DNA position 1511, G replaced by T.
Protein change: p.Arg504Leu; replaces arginine 504 with leucine.
Molecular consequence: missense variant. On other transcripts: 3 prime UTR variant (4), non-coding transcript variant (1).
Genome position (GRCh38, 1-based): chr6:39,906,757, C>A on the plus strand (G>T on the coding strand, the complement: MOCS1 is on the minus strand). VCF-style: chr6-39906757-C-A. GRCh37 (hg19) VCF-style: chr6-39874533-C-A.
Other names: c.*368G>T (NM_001075098.4, NM_001358533.2, NM_001358534.2 and 1 more transcripts); c.1463G>T, p.Arg488Leu (NM_001358529.2); c.1250G>T, p.Arg417Leu (NM_001358531.2); short protein forms R417L, R504L, R488L.
Identifiers: ClinVar variation 2072473 (VCV002072473.3), dbSNP rs1030445767, ClinGen allele CA364039798.

ClinVar aggregate classification (germline): Uncertain significance (1 of 4 stars; one submission).

Conditions:
Sulfite oxidase deficiency due to molybdenum cofactor deficiency type A. Also called: Molybdenum Cofactor Deficiency A; Molybdenum cofactor deficiency, complementation group A. Identifiers: Orphanet 308386, Orphanet 833, MedGen C1854988, MONDO:0009643, OMIM 252150.

gnomAD v4.1: 12 of 1,614,074 alleles (0.00074%); highest among the groups gnomAD compares: Admixed American, 0.018%; no homozygotes.

Submission:

Labcorp Genetics (formerly Invitae), Labcorp
Classification: Uncertain significance for Sulfite oxidase deficiency due to molybdenum cofactor deficiency type A. Last evaluated: 2022-08-09. Review status: criteria provided, single submitter. Criteria: Invitae Variant Classification Sherloc (09022015). Collection method: clinical testing. Allele origin: germline.
Comment: Algorithms developed to predict the effect of missense changes on protein structure and function are either unavailable or do not agree on the potential impact of this missense change (SIFT: "Not Available"; PolyPhen-2: "Probably Damaging"; Align-GVGD: "Not Available"). In summary, the available evidence is currently insufficient to determine the role of this variant in disease. Therefore, it has been classified as a Variant of Uncertain Significance. This variant has not been reported in the literature in individuals affected with MOCS1-related conditions. This variant is present in population databases (no rsID available, gnomAD 0.01%). This sequence change replaces arginine, which is basic and polar, with leucine, which is neutral and non-polar, at codon 504 of the MOCS1 protein (p.Arg504Leu).